The following is an entry in ClinVar:

NC_000003.11:g.(?_123426778)_(123453370_?)del

Gene: MYLK (myosin light chain kinase; minus strand). Cytogenetic location: 3q21.1.
Variant type: Deletion.
Identifiers: ClinVar variation 1401917 (VCV001401917.4).

ClinVar aggregate classification (germline): Uncertain significance (1 of 4 stars; one submission).

Conditions:
Aortic aneurysm, familial thoracic 7 (AAT7). Also called: AORTIC DISSECTION, FAMILIAL, WITH OR WITHOUT AORTIC ANEURYSM. Identifiers: MedGen C3151077, MONDO:0013418, OMIM 613780.

Submission:

Labcorp Genetics (formerly Invitae), Labcorp
Classification: Uncertain significance for Aortic aneurysm, familial thoracic 7. Last evaluated: 2021-09-03. Review status: criteria provided, single submitter. Criteria: Invitae Variant Classification Sherloc (09022015). Collection method: clinical testing. Allele origin: germline.
Comment: In summary, the available evidence is currently insufficient to determine the role of this variant in disease. Therefore, it has been classified as a Variant of Uncertain Significance. This variant has not been reported in the literature in individuals affected with MYLK-related conditions. This sequence change is a complex rearrangement involving exons 6-18 of the MYLK gene. Although the exact nature of the event is unknown, it results in the duplication of exons 6-18 and deletion of exons 10-15 and part of exon 16.